The following is an entry in ClinVar:

ClinVar aggregate classification (germline): Likely benign (0 of 4 stars; one submission).

Conditions:
VPS53-related disorder. Also called: VPS53-related condition.

Allele frequency attached by ClinVar (database versions not stated): gnomAD exomes 0.00002; TOPMed 0.00002; ExAC 0.00003; gnomAD 0.00003; 1000 Genomes Project 0.00020; 1000 Genomes Project 30x 0.00031.

Submission:

PreventionGenetics, part of Exact Sciences
Classification: Likely benign for VPS53-related condition. Last evaluated: 2021-12-21. Review status: no assertion criteria provided. Collection method: clinical testing. Allele origin: germline.
Comment: This variant is classified as likely benign based on ACMG/AMP sequence variant interpretation guidelines (Richards et al. 2015 PMID: 25741868, with internal and published modifications).

NM_001128159.3(VPS53):c.-3G>A

Gene: VPS53 (VPS53 subunit of GARP complex; minus strand). Cytogenetic location: 17p13.3.
Variant type: single nucleotide variant.
Coding change: c.-3G>A on transcript NM_001128159.3 (MANE Select); 3 bases upstream of the start codon, G replaced by A.
Molecular consequence: 5 prime UTR variant.
Genome position (GRCh38, 1-based): chr17:714,712, C>T on the plus strand (G>A on the coding strand, the complement: VPS53 is on the minus strand). VCF-style: chr17-714712-C-T. GRCh37 (hg19) VCF-style: chr17-617952-C-T.
Other names: c.-3G>A (NM_001366253.2, NM_018289.4); c.-695G>A (NM_001366254.2).
Identifiers: ClinVar variation 3030618 (VCV003030618.2), dbSNP rs199603380, ClinGen allele CA8261930.